The following is an entry in ClinVar:

NM_005477.3(HCN4):c.151C>T (p.Arg51Trp)

Gene: HCN4 (hyperpolarization activated cyclic nucleotide gated potassium channel 4; minus strand). Cytogenetic location: 15q24.1.
Variant type: single nucleotide variant.
Coding change: c.151C>T on transcript NM_005477.3 (MANE Select); coding-DNA position 151, C replaced by T.
Protein change: p.Arg51Trp; replaces arginine 51 with tryptophan.
Molecular consequence: missense variant.
Genome position (GRCh38, 1-based): chr15:73,368,120, G>A on the plus strand (C>T on the coding strand, the complement: HCN4 is on the minus strand). VCF-style: chr15-73368120-G-A. GRCh37 (hg19) VCF-style: chr15-73660461-G-A.
Other names: short protein forms R51W.
Identifiers: ClinVar variation 538078 (VCV000538078.10), dbSNP rs1555479061, ClinGen allele CA393098869.

ClinVar aggregate classification (germline): Uncertain significance. Review status: criteria provided, multiple submitters, no conflicts (2 of 4 stars). 3 submissions from 3 submitters: Uncertain significance (3). Last evaluated 2026-08-08.

Conditions:
Cardiovascular phenotype. Identifiers: MedGen CN230736.
Brugada syndrome 8 (BRGDA8). Identifiers: Orphanet 130, MedGen C2751083, MONDO:0013148, OMIM 613123.

gnomAD v4.1: 3 of 1,508,288 alleles (0.0002%); highest among the groups gnomAD compares: African/African-American, 0.0014%; no homozygotes.

Submissions (3):

Ambry Genetics
Classification: Uncertain significance for Cardiovascular phenotype. Last evaluated: 2026-08-08. Review status: criteria provided, single submitter. Criteria: Ambry Variant Classification Scheme 2023. Collection method: clinical testing. Allele origin: germline.
Comment: The p.R51W variant (also known as c.151C>T), located in coding exon 1 of the HCN4 gene, results from a C to T substitution at nucleotide position 151. The arginine at codon 51 is replaced by tryptophan, an amino acid with dissimilar properties. This amino acid position is conserved. In addition, the in silico prediction for this alteration is inconclusive. Based on the available evidence, the clinical significance of this variant remains unclear.

Labcorp Genetics (formerly Invitae), Labcorp
Classification: Uncertain significance for Brugada syndrome 8. Last evaluated: 2022-12-02. Review status: criteria provided, single submitter. Criteria: Invitae Variant Classification Sherloc (09022015). Collection method: clinical testing. Allele origin: germline.
Comment: This sequence change replaces arginine, which is basic and polar, with tryptophan, which is neutral and slightly polar, at codon 51 of the HCN4 protein (p.Arg51Trp). This variant is not present in population databases (gnomAD no frequency). This variant has not been reported in the literature in individuals affected with HCN4-related conditions. ClinVar contains an entry for this variant (Variation ID: 538078). Advanced modeling of protein sequence and biophysical properties (such as structural, functional, and spatial information, amino acid conservation, physicochemical variation, residue mobility, and thermodynamic stability) performed at Invitae indicates that this missense variant is not expected to disrupt HCN4 protein function. In summary, the available evidence is currently insufficient to determine the role of this variant in disease. Therefore, it has been classified as a Variant of Uncertain Significance.

Blueprint Genetics
Classification: Uncertain significance. Last evaluated: 2017-09-28. Review status: criteria provided, single submitter. Criteria: ACMG Guidelines, 2015. Collection method: clinical testing. Allele origin: germline.